The following is an entry in ClinVar:

ClinVar aggregate classification (germline): Conflicting classifications of pathogenicity. Review status: criteria provided, conflicting classifications (1 of 4 stars). 9 submissions from 9 submitters: Likely pathogenic (5); Uncertain significance (4). Last evaluated 2026-01-13.

Conditions:
Hereditary breast ovarian cancer syndrome. Also called: Hereditary breast and ovarian cancer syndrome; Hereditary breast and ovarian cancer; Hereditary breast and ovarian cancer syndrome (HBOC); Breast and ovarian cancer; Hereditary breast and/or ovarian cancer syndrome; BRCA1- and BRCA2-Associated Hereditary Breast and Ovarian Cancer. Identifiers: Orphanet 145, MedGen C0677776, MeSH D061325, MONDO:0003582. Disease mechanism: loss of function.
Breast-ovarian cancer, familial, susceptibility to, 2 (BROVCA2). Also called: BRCA2 Hereditary Breast and Ovarian Cancer. Identifiers: Orphanet 145, MedGen C2675520, MONDO:0012933, OMIM 612555. Disease mechanism: loss of function.
Hereditary cancer-predisposing syndrome. Also called: Neoplastic Syndromes, Hereditary; Tumor predisposition; Hereditary Cancer Syndrome; Hereditary neoplastic syndrome. Identifiers: Orphanet 140162, MedGen C0027672, MeSH D009386, MONDO:0015356.

gnomAD v4.1: 4 of 1,545,108 alleles (0.00026%); highest among the groups gnomAD compares: Admixed American, 0.0017%; no homozygotes.

Submissions (9):

Labcorp Genetics (formerly Invitae), Labcorp
Classification: Likely pathogenic for Hereditary breast ovarian cancer syndrome. Last evaluated: 2026-01-13. Review status: criteria provided, single submitter. Criteria: Invitae Variant Classification Sherloc (09022015). Collection method: clinical testing. Allele origin: germline.
Comment: This sequence change affects codon 142 of the BRCA2 mRNA. It is a 'silent' change, meaning that it does not change the encoded amino acid sequence of the BRCA2 protein. RNA analysis indicates that this variant induces altered splicing and may result in an absent or altered protein product. This variant is not present in population databases (gnomAD no frequency). This variant has been observed in individual(s) with personal and family history of breast cancer (PMID: 21638052). ClinVar contains an entry for this variant (Variation ID: 51618). An algorithm developed to predict the effect of missense changes on protein structure and function (PolyPhen-2) suggests that this variant is likely to be disruptive. Experimental studies have shown that this variant does not substantially affect BRCA2 function (PMID: 32398771). Variants that disrupt the consensus splice site are a relatively common cause of aberrant splicing (PMID: 17576681, 9536098). Studies have shown that this variant results in skipping of exon 4, and produces a non-functional protein and/or introduces a premature termination codon (PMID: 21638052, 27060066, 32398771; internal data). In summary, the currently available evidence indicates that the variant is pathogenic, but additional data are needed to prove that conclusively. Therefore, this variant has been classified as Likely Pathogenic.

Ambry Genetics
Classification: Uncertain significance for Hereditary cancer-predisposing syndrome. Last evaluated: 2025-06-24. Review status: criteria provided, single submitter. Criteria: Ambry Variant Classification Scheme 2023. Collection method: clinical testing. Allele origin: germline.
Comment: The c.425G>T variant (also known as p.S142I), located in coding exon 3 of the BRCA2 gene, results from a G to T substitution at nucleotide position 425. The serine at codon 142 is replaced by isoleucine, an amino acid with dissimilar properties. In addition, this change occurs in the last nucleotide of coding exon 3, which makes it likely to have some effect on normal mRNA splicing. This alteration was detected in a cohort of 1663 Brazilian breast cancer patients who underwent hereditary multigene panel testing (Guindalini RSC et al. Sci Rep. 2022 Mar;12(1):4190). In silico splice site analysis predicts that this alteration will weaken the native splice donor site. RNA studies have demonstrated that this alteration results in abnormal splicing in the set of samples tested (Ambry internal data; Brand&atilde;o R et al. Breast Cancer Res. Treat. 2011 Oct;129(3):971-82; Nix P et al. Fam Cancer, 2021 Jan). However, this alteration was able to rescue the growth defect in BRCA2-null mouse embryonic stem cells and these surviving cells maintained partial activity in a homology directed DNA repair functional assay (Mesman R et al. Genet Med 2020 Aug;22(8):1355-1365). This alteration is also identified in patients who collectively have a phenotype that is not consistent with a high risk BRCA2 pathogenic variant (Nix P et al. Fam Cancer, 2021 Jan). Since supporting evidence is conflicting at this time, the clinical significance of this alteration remains unclear.

GeneDx
Classification: Uncertain significance. Last evaluated: 2025-06-11. Review status: criteria provided, single submitter. Criteria: GeneDx Variant Classification Process June 2021. Collection method: clinical testing. Allele origin: germline. Affected: yes.
Comment: Exonic splice variant resulting in the production of multiple transcripts, including potentially functional in-frame transcripts (PMID: 21638052, 32398771, 33469799); Published functional studies demonstrate protein levels and homology-directed repair activity comparable to wildtype (PMID: 32398771); Not observed at significant frequency in large population cohorts (gnomAD); Also known as 653G>T; This variant is associated with the following publications: (PMID: 31911673, 23893897, 26913838, 30212499, 31131967, 31589614, 33469799, 35264596, 27060066, 33471991, 21638052, 32398771)

Women's Health and Genetics/Laboratory Corporation of America, LabCorp
Classification: Likely pathogenic for Hereditary breast ovarian cancer syndrome. Last evaluated: 2024-11-16. Review status: criteria provided, single submitter. Criteria: LabCorp Variant Classification Summary - May 2015. Collection method: clinical testing. Allele origin: germline.
Comment: Variant summary: BRCA2 c.425G>T (p.Ser142Ile) results in a non-conservative amino acid change in the encoded protein sequence. Four of five in-silico tools predict a damaging effect of the variant on protein function. As the variant alters the last conserved nucleotide of exon 4 adjacent to the canonical splice donor site, several computational tools predict a significant impact on normal splicing: Two predict the variant abolishes the canonical 5' splicing donor site. Three predict the variant weakens the canonical 5' splicing donor site. Several studies report a predicted impact of splicing leading to multiple transcripts including skipping of exon 4, exon 4-5 and exons 4-7 resulting in a population of out of frame and potentially functional in-frame transcripts (example, Nix_2022). Of the aberrantly spliced transcripts specifically affecting exon 4, a majority (62%, 143/229) showed skipping of exon 4 (4), which is expected to be pathogenic while a smaller proportion (30%) showed potentially in-frame skipping of exons 4-5 and exons 4-7. The variant was absent in 248562 control chromosomes. c.425G>T has been reported in the literature in an individual with a personal and family history of breast cancer (Brandao_2011) and in settings of multigene panel testing in an individual with breast cancer (example, Guindalini_2022). These data indicate that the variant may be associated with disease. At least one recent publication reports experimental evidence evaluating an impact on protein function (example, Mesman_2020). The most pronounced variant effect results in 66% of normal homology directed repair (HDR) in-vitro, reflective of the presence of the in-frame transcript lacking exons 4-7. The following publications have been ascertained in the context of this evaluation (PMID: 27060066, 21638052, 31911673, 35264596, 32398771, 33469799). ClinVar contains an entry for this variant (Variation ID: 51618). Based on the evidence outlined above, the variant was classified as likely pathogenic.

German Consortium for Hereditary Breast and Ovarian Cancer, University Hospital Cologne
Classification: Uncertain significance for Hereditary breast ovarian cancer syndrome. Last evaluated: 2024-07-09. Review status: criteria provided, single submitter. Criteria: ClinGen BRCA2 V1.1.0. Collection method: curation. Allele origin: germline.
Comment: 1X in 60466 cases in BRIDGES, not in controls, 5X in GC-HBOC database; According to the ClinGen ENIGMA BRCA2 v1.1.0 criteria we chose these criteria: PM2 (supporting pathogenic): absent from gnomAD v2/v3 non-cancer controls, PP3 (supporting pathogenic): SpliceAI = 0.97, BP5 (supporting benign): Parson: LR: 0.358

Color Diagnostics, LLC DBA Color Health
Classification: Uncertain significance for Hereditary cancer-predisposing syndrome. Last evaluated: 2023-10-10. Review status: criteria provided, single submitter. Criteria: ACMG Guidelines, 2015. Collection method: clinical testing. Allele origin: germline.
Comment: This missense variant replaces serine with isoleucine at codon 142 of the BRCA2 protein. This variant alters the conserved c.G at the last nucleotide position of exon 4 to c.T. RNA studies have shown this variant produces multiple transcripts causing out-of-frame skipping of exon 4 and transcripts causing in-frame skipping of exon 4 (PMID: 21638052, 32398771, 33469799). A functional study found that this variant complements the lethality of Brca2-deficient mouse embryonic stem cells and shows intermediate BRCA2 function in a homology-directed repair assay (PMID: 32398771). This variant has been reported in at least two individuals with a personal or family history of BRCA2-related cancer (PMID: 21638052, 33471991; Leiden Open Variation Database DB-ID BRCA2_001571, 35264596). This variant has not been identified in the general population by the Genome Aggregation Database (gnomAD). The available evidence is insufficient to determine the role of this variant in disease conclusively. Therefore, this variant is classified as a Variant of Uncertain Significance.

MGZ Medical Genetics Center
Classification: Likely pathogenic for Breast-ovarian cancer, familial, susceptibility to, 2. Last evaluated: 2022-07-29. Review status: criteria provided, single submitter. Criteria: ACMG Guidelines, 2015. Collection method: clinical testing. Allele origin: germline. Affected: yes. Observed: 1 variant allele.
Comment: ACMG criteria applied: PS3, PM2_SUP, PP3

Mendelics
Classification: Likely pathogenic for Breast-ovarian cancer, familial, susceptibility to, 2. Last evaluated: 2019-05-28. Review status: criteria provided, single submitter. Criteria: Mendelics Assertion Criteria 2017. Collection method: clinical testing. Allele origin: unknown.

Quest Diagnostics Nichols Institute San Juan Capistrano
Classification: Likely pathogenic. Last evaluated: 2018-08-09. Review status: criteria provided, single submitter. Criteria: Quest Diagnostics criteria. Collection method: clinical testing. Allele origin: germline.

Literature cited by the submitters: PubMed 21638052 (cited by 4 submitters); PubMed 32398771 (cited by 4 submitters); PubMed 17576681 (cited by Labcorp Genetics (formerly Invitae), Labcorp); PubMed 9536098 (cited by Labcorp Genetics (formerly Invitae), Labcorp); PubMed 27060066 (cited by 3 submitters); PubMed 31131967 (cited by Ambry Genetics); PubMed 33469799 (cited by 3 submitters); PubMed 35264596 (cited by 3 submitters); PubMed 31911673 (cited by Women's Health and Genetics/Laboratory Corporation of America, LabCorp); PubMed 33471991 (cited by Color Diagnostics, LLC DBA Color Health).

NM_000059.4(BRCA2):c.425G>T (p.Ser142Ile)

Gene: BRCA2 (BRCA2 DNA repair associated; plus strand). Cytogenetic location: 13q13.1.
Variant type: single nucleotide variant.
Coding change: c.425G>T on transcript NM_000059.4 (MANE Select); coding-DNA position 425, G replaced by T.
Protein change: p.Ser142Ile; replaces serine 142 with isoleucine.
Molecular consequence: missense variant.
Genome position (GRCh38, 1-based): chr13:32,325,184, G>T. VCF-style: chr13-32325184-G-T. GRCh37 (hg19) VCF-style: chr13-32899321-G-T.
Other names: short protein forms S142I.
Identifiers: ClinVar variation 51618 (VCV000051618.72), dbSNP rs397507713, ClinGen allele CA019823.